The following is an entry in ClinVar:

ClinVar aggregate classification (germline): Uncertain significance (1 of 4 stars; one submission).

Submission:

GeneDx
Classification: Uncertain significance. Last evaluated: 2019-08-14. Review status: criteria provided, single submitter. Criteria: GeneDx Variant Classification Process June 2021. Collection method: clinical testing. Allele origin: germline. Affected: yes.
Comment: Canonical splice site variant in a gene for which loss-of-function is not a known mechanism of disease; Has not been previously published as pathogenic or benign to our knowledge; Not observed in large population cohorts (Lek et al., 2016)

NM_005499.3(UBA2):c.223-1G>A

Gene: UBA2 (ubiquitin like modifier activating enzyme 2; plus strand). Cytogenetic location: 19q13.11.
Variant type: single nucleotide variant.
Coding change: c.223-1G>A on transcript NM_005499.3 (MANE Select); the canonical splice acceptor site of the intron before coding-DNA position 223, G replaced by A.
Molecular consequence: splice acceptor variant.
Genome position (GRCh38, 1-based): chr19:34,431,860, G>A. VCF-style: chr19-34431860-G-A. GRCh37 (hg19) VCF-style: chr19-34922765-G-A.
Other names: c.-66-1G>A (NM_001411139.1).
Identifiers: ClinVar variation 1307730 (VCV001307730.2), dbSNP rs2145488265, ClinGen allele CA405253986.